The following is an entry in ClinVar:

NM_005629.4(SLC6A8):c.748_749del (p.Val250fs)

Gene: SLC6A8 (solute carrier family 6 member 8; plus strand). Cytogenetic location: Xq28.
Variant type: Microsatellite.
Coding change: c.748_749del on transcript NM_005629.4 (MANE Select); coding-DNA positions 748 to 749, 2 bases deleted (GT; older notation c.748_749delGT).
Protein change: p.Val250fs; shifts the reading frame from valine 250.
Molecular consequence: frameshift variant.
Genome position (GRCh38, 1-based): chrX:153,692,078-153,692,079, GT deleted; deleting any 2 consecutive bases within chrX:153,692,075-153,692,079 gives the same sequence; the c. name uses the placement nearest the transcript's 3' end. VCF-style (leftmost placement, unchanged base first): chrX-153692074-CTG-C. GRCh37 (hg19) VCF-style: chrX-152957529-CTG-C.
Other names: NM_005629.4(SLC6A8):c.746_747GT[1]; p.Val250fs; c.748_749del, p.Val250fs (NM_001142805.2); c.403_404del, p.Val135fs (NM_001142806.1); short protein forms V250fs, V135fs.
Identifiers: ClinVar variation 452407 (VCV000452407.4), dbSNP rs1557044569, ClinGen allele CA658659051.

ClinVar aggregate classification (germline): Likely pathogenic. Review status: reviewed by expert panel (3 of 4 stars). 2 submissions from 2 submitters: Likely pathogenic (1). 1 of the submissions does not count toward it. Last evaluated 2026-04-28.

Conditions:
Creatine transporter deficiency (CCDS1). Also called: Creatine Transporter (CRTR) Deficiency; SLC6A8-Related Creatine Transporter Deficiency; CREATINE TRANSPORTER DEFECT; CEREBRAL CREATINE DEFICIENCY SYNDROME 1; Mental retardation , X-linked with seizures, short stature and midface hypoplasia; Mental retardation , X-linked, with creatine transport deficiency. Identifiers: Orphanet 52503, MedGen C1845862, MONDO:0010305, OMIM 300352.

Submissions (2):

ClinGen Cerebral Creatine Deficiency Syndromes Variant Curation Expert Panel, ClinGen
Classification: Likely pathogenic for Creatine transporter deficiency. Last evaluated: 2026-04-28. Review status: reviewed by expert panel. Criteria: ClinGen_CCDS_ACMG_Specifications_SLC6A8_v1.1. Collection method: curation. Allele origin: germline. Inheritance: X-linked inheritance.
Comment: The NM_005629.4:c.746_747delGT (p.Val250LeufsTer46) variant in SLC6A8 is a frameshift variant predicted to cause a premature stop codon, leading to nonsense mediated decay in a gene in which loss-of-function is an established disease mechanism (PVS1). The variant is absent in gnomAD 4.1.0 (PM2_Supporting). To our knowledge, this variant has not been reported in the literature and results of functional studies are unavailable. There is a ClinVar entry for this variant (Variation ID: 452407. In summary, this variant meets the criteria to be classified as likely pathogenic for creatine transporter deficiency. The classification of this variant has been upgraded from Variant of Uncertain Significance to Likely Pathogenic based on the recommendations of the ClinGen Sequence Variant Interpretation Working Group, that a variant meeting PVS1 and PM2_Supporting is classified as Likely Pathogenic SLC6A8-specific ACMG-AMP criteria applied, as specified by the ClinGen Cerebral Creatine Deficiency Syndromes Variant Curation Expert Panel (Specifications Version 1.2.0): PVS1, PM2_Supporting. (Classification approved by the ClinGen Cerebral Creatine Deficiency Syndromes Variant Curation Expert Panel on April 28, 2026).

GeneDx
Classification: Pathogenic. Last evaluated: 2018-06-14. Review status: criteria provided, single submitter. Criteria: GeneDx Variant Classification (06012015). Collection method: clinical testing. Allele origin: germline. Affected: yes. Not counted in ClinVar's aggregate classification.
Comment: The c.748_749delGT variant in the SLC6A8 gene has not been reported previously as a pathogenic variant nor as a benign variant, to our knowledge. The c.748_749delGT variant causes a frameshift starting with codon Valine 250, changes this amino acid to a Leucine residue, and creates a premature Stop codon at position 46 of the new reading frame, denoted p.Val250LeufsX46. This variant is predicted to cause loss of normal protein function either through protein truncation or nonsense-mediated mRNA decay. The c.748_749delGT variant is not observed in large population cohorts (Lek et al., 2016). We interpret c.748_749delGT as a pathogenic variant.